The following is an entry in ClinVar:

NM_000397.4(CYBB):c.907C>T (p.His303Tyr)

Gene: CYBB (cytochrome b-245 beta chain; plus strand). Cytogenetic location: Xp11.4.
Variant type: single nucleotide variant.
Coding change: c.907C>T on transcript NM_000397.4 (MANE Select); coding-DNA position 907, C replaced by T.
Protein change: p.His303Tyr; replaces histidine 303 with tyrosine.
Molecular consequence: missense variant.
Genome position (GRCh38, 1-based): chrX:37,803,886, C>T. VCF-style: chrX-37803886-C-T. GRCh37 (hg19) VCF-style: chrX-37663139-C-T.
Other names: short protein forms H303Y.
Identifiers: ClinVar variation 265092 (VCV000265092.2), dbSNP rs137854595, ClinGen allele CA10588777.

ClinVar aggregate classification (germline): Pathogenic (1 of 4 stars; one submission).

Submission:

GeneDx
Classification: Pathogenic. Last evaluated: 2017-03-21. Review status: criteria provided, single submitter. Criteria: GeneDx Variant Classification (06012015). Collection method: clinical testing. Allele origin: germline. Affected: yes.
Comment: The H303Y missense variant in the CYBB gene has been reported previously in association with X-linked Chronic Granulomatous Disease (Isman-Nelkenbaum et al., 2011; Wolach et al., 2011; Roos et al., 2010). H303Y was not observed in approximately 6,500 individuals of European and African American ancestry in the NHLBI Exome Sequencing Project, indicating it is not a common benign variant in these populations. This non-conservative amino acid substitution occurs at a highly conserved position in the FAD-binding FR-type domain; variants in this domain are known to affect the production of residual oxygen intermediates (Kuhns et al., 2010). A missense variant in the same residue, H303N, has been shown to inhibit oxidase activity and abolish NADPH oxidase assembly (Bionda et al., 2004), supporting the functional importance of this region of the protein.